The following is an entry in ClinVar:

NM_004738.5(VAPB):c.*4271A>G

Gene: VAPB (VAMP associated protein B and C; plus strand). Cytogenetic location: 20q13.32.
Variant type: single nucleotide variant.
Coding change: c.*4271A>G on transcript NM_004738.5 (MANE Select); 4271 bases downstream of the stop codon, A replaced by G.
Molecular consequence: 3 prime UTR variant. On other transcripts: non-coding transcript variant (1).
Genome position (GRCh38, 1-based): chr20:58,448,506, A>G. VCF-style: chr20-58448506-A-G. GRCh37 (hg19) VCF-style: chr20-57023562-A-G.
Other names: c.*4341A>G (NM_001195677.2).
Identifiers: ClinVar variation 338990 (VCV000338990.7), dbSNP rs4549163, ClinGen allele CA9924575.

ClinVar aggregate classification (germline): Benign. Review status: criteria provided, multiple submitters, no conflicts (2 of 4 stars). 3 submissions from 2 submitters: Benign (3). Last evaluated 2018-01-13.

Conditions:
Amyotrophic lateral sclerosis type 8 (ALS8). Identifiers: Orphanet 803, MedGen C1837728, MONDO:0012077, OMIM 608627.
Adult-onset proximal spinal muscular atrophy, autosomal dominant. Also called: FINKEL LATE-ADULT TYPE SMA; Spinal muscular atrophy, late-onset, finkel type. Identifiers: Orphanet 209335, MedGen C1854058, MONDO:0008453, OMIM 182980.

Allele frequency attached by ClinVar (database versions not stated): gnomAD exomes 0.11240 and 0.12084; ExAC 0.11402; 1000 Genomes Project 0.13399; 1000 Genomes Project 30x 0.13695; gnomAD 0.15459 and 0.15908; TOPMed 0.15591.
gnomAD v4.1: 60,217 of 453,976 alleles (13%); highest among the groups gnomAD compares: African/African-American, 24%; 4,538 homozygotes.

Submissions (3):

Illumina Laboratory Services, Illumina
Classification: Benign for Adult-onset proximal spinal muscular atrophy, autosomal dominant. Last evaluated: 2018-01-13. Review status: criteria provided, single submitter. Criteria: ICSL Variant Classification Criteria 13 December 2019. Collection method: clinical testing. Allele origin: germline.
Comment: This variant was observed in the ICSL laboratory as part of a predisposition screen in an ostensibly healthy population. It had not been previously curated by ICSL or reported in the Human Gene Mutation Database (HGMD: prior to June 1st, 2018), and was therefore a candidate for classification through an automated scoring system. Utilizing variant allele frequency, disease prevalence and penetrance estimates, and inheritance mode, an automated score was calculated to assess if this variant is too frequent to cause the disease. Based on the score and internal cut-off values, a variant classified as benign is not then subjected to further curation. The score for this variant resulted in a classification of benign for this disease.

Illumina Laboratory Services, Illumina
Classification: Benign for Amyotrophic lateral sclerosis type 8. Last evaluated: 2018-01-13. Review status: criteria provided, single submitter. Criteria: ICSL Variant Classification Criteria 13 December 2019. Collection method: clinical testing. Allele origin: germline.
Comment: the same text as in the submission from Illumina Laboratory Services, Illumina above.

Breakthrough Genomics
Classification: Benign. Review status: criteria provided, single submitter. Criteria: ACMG Guidelines, 2015. Collection method: not provided. Allele origin: germline. Inheritance: Autosomal dominant inheritance. Affected: yes.